The following is an entry in ClinVar:

NM_024577.4(SH3TC2):c.1890G>A (p.Pro630=)

Gene: SH3TC2 (SH3 domain and tetratricopeptide repeats 2; minus strand). Cytogenetic location: 5q32.
Variant type: single nucleotide variant.
Coding change: c.1890G>A on transcript NM_024577.4 (MANE Select); coding-DNA position 1890, G replaced by A.
Protein change: p.Pro630=; no amino-acid change (proline 630 retained).
Molecular consequence: synonymous variant.
Genome position (GRCh38, 1-based): chr5:149,027,842, C>T on the plus strand (G>A on the coding strand, the complement: SH3TC2 is on the minus strand). VCF-style: chr5-149027842-C-T. GRCh37 (hg19) VCF-style: chr5-148407405-C-T.
Identifiers: ClinVar variation 916973 (VCV000916973.10), dbSNP rs143197881, ClinGen allele CA3499098.
Genomic context (GRCh38, chr5:149,027,842, plus strand): 5'-CTCGTGCCGGCCTAGGCTCAGGAGCAAGCGGATGGCCAGAAAGCAGGCCCTGGCCTCCAG[C>T]GGGCTGCTGCCCACCACAATCCCCTGGCGCAGCACGTAGGCCACCACGTCGAGTTCATGC-3'
Protein context (NP_078853.2, residues 620-640): LRQGIVVGSS[Pro630=]LEARACFLAI

ClinVar aggregate classification (germline): Likely benign. Review status: criteria provided, multiple submitters, no conflicts (2 of 4 stars). 3 submissions from 3 submitters: Likely benign (3). Last evaluated 2026-09-01.

Conditions:
Charcot-Marie-Tooth disease. Also called: Charcot-Marie-Tooth Neuropathy; Charcot-Marie-Tooth Hereditary Neuropathy. Identifiers: Orphanet 166, MedGen C0007959, MONDO:0015626.
SH3TC2-related disorder. Also called: SH3TC2-related disorders; SH3TC2-related condition. Identifiers: MedGen CN239303.
Charcot-Marie-Tooth disease type 4. Also called: Charcot-Marie-Tooth disease, type IV; Charcot-Marie-Tooth, Type 4. Identifiers: Orphanet 64749, MedGen C4082197, MONDO:0018995.

Allele frequency attached by ClinVar (database versions not stated): ExAC 0.00002; gnomAD exomes 0.00003; gnomAD 0.00004; TOPMed 0.00007; ESP Exome Variant Server 0.00008.
gnomAD v4.1: 94 of 1,613,716 alleles (0.0058%); highest among the groups gnomAD compares: African/African-American, 0.015%; no homozygotes.

Submissions (3):

PreventionGenetics, part of Exact Sciences
Classification: Likely benign for SH3TC2-related condition. Last evaluated: 2026-09-01. Review status: criteria provided, single submitter. Criteria: ACMG Guidelines, 2015. Collection method: clinical testing. Allele origin: germline.
Comment: This variant is classified as likely benign based on ACMG/AMP sequence variant interpretation guidelines (Richards et al. 2015 PMID: 25741868, with internal and published modifications).

Labcorp Genetics (formerly Invitae), Labcorp
Classification: Likely benign for Charcot-Marie-Tooth disease type 4. Last evaluated: 2026-01-13. Review status: criteria provided, single submitter. Criteria: Invitae Variant Classification Sherloc (09022015). Collection method: clinical testing. Allele origin: germline.

Molecular Genetics Laboratory, London Health Sciences Centre
Classification: Likely benign for Charcot-Marie-Tooth disease. Review status: criteria provided, single submitter. Criteria: ACMG Guidelines, 2015. Collection method: clinical testing. Allele origin: germline. Affected: yes.